The following is an entry in ClinVar:

ClinVar aggregate classification (germline): Likely benign (0 of 4 stars; one submission).

Conditions:
CPE-related disorder. Also called: CPE-related condition.

Submission:

PreventionGenetics, part of Exact Sciences
Classification: Likely benign for CPE-related condition. Last evaluated: 2024-03-15. Review status: no assertion criteria provided. Collection method: clinical testing. Allele origin: germline.
Comment: This variant is classified as likely benign based on ACMG/AMP sequence variant interpretation guidelines (Richards et al. 2015 PMID: 25741868, with internal and published modifications).

NM_001873.4(CPE):c.1380G>A (p.Lys460=)

Gene: CPE (carboxypeptidase E; plus strand). Cytogenetic location: 4q32.3.
Variant type: single nucleotide variant.
Coding change: c.1380G>A on transcript NM_001873.4 (MANE Select); coding-DNA position 1380, G replaced by A.
Protein change: p.Lys460=; no amino-acid change (lysine 460 retained).
Molecular consequence: synonymous variant.
Genome position (GRCh38, 1-based): chr4:165,497,559, G>A. VCF-style: chr4-165497559-G-A. GRCh37 (hg19) VCF-style: chr4-166418711-G-A.
Identifiers: ClinVar variation 3349955 (VCV003349955.1).